The following is an entry in ClinVar:

ClinVar aggregate classification (germline): Conflicting classifications of pathogenicity. Review status: criteria provided, conflicting classifications (1 of 4 stars). 5 submissions from 5 submitters: Uncertain significance (4); Likely benign (1). Last evaluated 2026-09-05.

Conditions:
MBD4-related disorder. Also called: MBD4-related condition.
Inborn genetic diseases. Identifiers: MedGen C0950123, MeSH D030342.
Tumor predisposition syndrome 2 (TPDS2). Also called: MBD4-ASSOCIATED NEOPLASIA SYNDROME; MBD4-Related Tumor Predisposition Syndrome; MBD4-associated neoplasia syndrome (MANS). Identifiers: Orphanet 661526, MedGen C5774186, MONDO:0859267, OMIM 619975.

Allele frequency attached by ClinVar (database versions not stated): gnomAD exomes 0.00006; TOPMed 0.00006; gnomAD 0.00008; ExAC 0.00009.
gnomAD v4.1: 104 of 1,613,768 alleles (0.0064%); highest among the groups gnomAD compares: Middle Eastern, 0.049%; 1 homozygote.

Submissions (5):

PreventionGenetics, part of Exact Sciences
Classification: Uncertain significance for MBD4-related condition. Last evaluated: 2026-09-05. Review status: criteria provided, single submitter. Criteria: ACMG Guidelines, 2015. Collection method: clinical testing. Allele origin: germline.
Comment: The MBD4 c.208G>A variant is predicted to result in the amino acid substitution p.Ala70Thr. To our knowledge, this variant has not been reported in the literature. It is reported in 0.015% of alleles in individuals of European (Non-Finnish) descent in gnomAD and has conflicting interpretations in ClinVar ranging from likely benign to uncertain (Variation ID: 2722003). At this time, the clinical significance of this variant is uncertain due to the absence of conclusive functional and genetic evidence.

Myriad Genetics, Inc.
Classification: Likely benign for Tumor predisposition syndrome 2. Last evaluated: 2026-06-08. Review status: criteria provided, single submitter. Criteria: Myriad Autosomal Dominant, Autosomal Recessive and X-Linked Classification Criteria (2023). Collection method: clinical testing. Allele origin: unknown.
Comment: This variant is considered likely benign. This variant has been observed at a population frequency that is significantly greater than expected given the associated disease prevalence and penetrance.

Labcorp Genetics (formerly Invitae), Labcorp
Classification: Uncertain significance. Last evaluated: 2026-01-27. Review status: criteria provided, single submitter. Criteria: Invitae Variant Classification Sherloc (09022015). Collection method: clinical testing. Allele origin: germline.
Comment: This sequence change replaces alanine, which is neutral and non-polar, with threonine, which is neutral and polar, at codon 70 of the MBD4 protein (p.Ala70Thr). This variant is present in population databases (rs776001887, gnomAD 0.02%). This variant has not been reported in the literature in individuals affected with MBD4-related conditions. ClinVar contains an entry for this variant (Variation ID: 2722003). An algorithm developed to predict the effect of missense changes on protein structure and function outputs the following: PolyPhen-2: "Benign". The threonine amino acid residue is found in multiple mammalian species, which suggests that this missense change does not adversely affect protein function. In summary, the available evidence is currently insufficient to determine the role of this variant in disease. Therefore, it has been classified as a Variant of Uncertain Significance.

CeGaT Center for Human Genetics Tuebingen
Classification: Uncertain significance. Last evaluated: 2025-07-01. Review status: criteria provided, single submitter. Criteria: CeGaT Center For Human Genetics Tuebingen Variant Classification Criteria Version 2. Collection method: clinical testing. Allele origin: germline. Affected: yes. Observed: 2 variant alleles.

Ambry Genetics
Classification: Uncertain significance for Inborn genetic diseases. Last evaluated: 2024-12-12. Review status: criteria provided, single submitter. Criteria: Ambry Variant Classification Scheme 2023. Collection method: clinical testing. Allele origin: germline.
Comment: The p.A70T variant (also known as c.208G>A), located in coding exon 2 of the MBD4 gene, results from a G to A substitution at nucleotide position 208. The alanine at codon 70 is replaced by threonine, an amino acid with similar properties. This amino acid position is well conserved in available vertebrate species. In addition, this alteration is predicted to be tolerated by in silico analysis. Based on the available evidence, the clinical significance of this variant remains unclear.

NM_001276270.2(MBD4):c.208G>A (p.Ala70Thr)

Gene: MBD4 (methyl-CpG binding domain 4, DNA glycosylase; minus strand). Cytogenetic location: 3q21.3.
Variant type: single nucleotide variant.
Coding change: c.208G>A on transcript NM_001276270.2 (MANE Select); coding-DNA position 208, G replaced by A.
Protein change: p.Ala70Thr; replaces alanine 70 with threonine.
Molecular consequence: missense variant.
Genome position (GRCh38, 1-based): chr3:129,437,847, C>T on the plus strand (G>A on the coding strand, the complement: MBD4 is on the minus strand). VCF-style: chr3-129437847-C-T. GRCh37 (hg19) VCF-style: chr3-129156690-C-T.
Other names: c.208G>A, p.Ala70Thr (NM_001276271.2, NM_001276272.2, NM_001276273.2 and 1 more transcripts); c.208G>A (NM_003925.2); short protein forms A70T.
Identifiers: ClinVar variation 2722003 (VCV002722003.19), dbSNP rs776001887, ClinGen allele CA2605584.